The following is an entry in ClinVar:

NM_177438.3(DICER1):c.*997C>G

Gene: DICER1 (dicer 1, ribonuclease III; minus strand). Cytogenetic location: 14q32.13.
Variant type: single nucleotide variant.
Coding change: c.*997C>G on transcript NM_177438.3 (MANE Select); 997 bases downstream of the stop codon, C replaced by G.
Molecular consequence: 3 prime UTR variant.
Genome position (GRCh38, 1-based): chr14:95,089,501, G>C on the plus strand (C>G on the coding strand, the complement: DICER1 is on the minus strand). VCF-style: chr14-95089501-G-C. GRCh37 (hg19) VCF-style: chr14-95555838-G-C.
Other names: c.*1113C>G (NM_001195573.1); c.*997C>G (NM_001271282.3, NM_001291628.2, NM_030621.4).
Identifiers: ClinVar variation 315085 (VCV000315085.34), dbSNP rs571363127, ClinGen allele CA10641398.

ClinVar aggregate classification (germline): Conflicting classifications of pathogenicity. Review status: criteria provided, conflicting classifications (1 of 4 stars). 2 submissions from 2 submitters: Uncertain significance (1); Likely benign (1). Last evaluated 2023-05-01.

Conditions:
DICER1-related tumor predisposition. Also called: DICER1 syndrome; DICER1-related pleuropulmonary blastoma cancer predisposition syndrome. Identifiers: Orphanet 284343, MedGen C3839822, MONDO:0100216.

Allele frequency attached by ClinVar (database versions not stated): gnomAD exomes 0.00071; TOPMed 0.00082; gnomAD 0.00091 and 0.00097.
gnomAD v4.1: 194 of 232,288 alleles (0.084%); highest among the groups gnomAD compares: Non-Finnish European, 0.13%; 1 homozygote.

Submissions (2):

CeGaT Center for Human Genetics Tuebingen
Classification: Likely benign. Last evaluated: 2023-05-01. Review status: criteria provided, single submitter. Criteria: CeGaT Center For Human Genetics Tuebingen Variant Classification Criteria Version 2. Collection method: clinical testing. Allele origin: germline. Affected: yes. Observed: 4 variant alleles.
Comment: DICER1: BS1

Illumina Laboratory Services, Illumina
Classification: Uncertain significance for Pleuropulmonary blastoma. Last evaluated: 2018-01-12. Review status: criteria provided, single submitter. Criteria: ICSL Variant Classification Criteria 13 December 2019. Collection method: clinical testing. Allele origin: germline.